The following is an entry in ClinVar:

NM_001385012.1(NBEA):c.6204G>C (p.Leu2068Phe)

Gene: NBEA (neurobeachin; plus strand). Cytogenetic location: 13q13.3.
Variant type: single nucleotide variant.
Coding change: c.6204G>C on transcript NM_001385012.1 (MANE Select); coding-DNA position 6204, G replaced by C.
Protein change: p.Leu2068Phe; replaces leucine 2068 with phenylalanine.
Molecular consequence: missense variant.
Genome position (GRCh38, 1-based): chr13:35,432,293, G>C. VCF-style: chr13-35432293-G-C. GRCh37 (hg19) VCF-style: chr13-36006430-G-C.
Other names: c.6195G>C, p.Leu2065Phe (NM_001379245.1); c.6204G>C, p.Leu2068Phe (NM_015678.5); short protein forms L2065F, L2068F.
Identifiers: ClinVar variation 4846866 (VCV004846866.1).

ClinVar aggregate classification (germline): Uncertain significance (1 of 4 stars; one submission).

Conditions:
Neurodevelopmental disorder with or without early-onset generalized epilepsy. Identifiers: MedGen C5436914, MONDO:0030930, OMIM 619157.

Submission:

Laboratorio de Genetica e Diagnostico Molecular, Hospital Israelita Albert Einstein
Classification: Uncertain significance for Neurodevelopmental disorder with or without early-onset generalized epilepsy. Last evaluated: 2023-04-05. Review status: criteria provided, single submitter. Criteria: ACMG Guidelines, 2015. Collection method: clinical testing. Allele origin: germline. Affected: yes.
Comment: ACMG classification criteria: PM2 moderate, PP2 supporting